The following is an entry in ClinVar:

ClinVar aggregate classification (germline): Benign. Review status: criteria provided, multiple submitters, no conflicts (2 of 4 stars). 7 submissions from 4 submitters: Benign (7). Last evaluated 2024-07-15.

Conditions:
Alternating hemiplegia of childhood 1 (AHC1). Identifiers: Orphanet 2131, MedGen C3549447, MONDO:0007087, OMIM 104290.
Developmental and epileptic encephalopathy 98. Identifiers: MedGen C5562017, MONDO:0030472, OMIM 619605.
Fetal akinesia, respiratory insufficiency, microcephaly, polymicrogyria, and dysmorphic facies. Identifiers: MedGen C5562015, MONDO:0859204, OMIM 619602.
Migraine, familial hemiplegic, 2. Identifiers: Orphanet 569, MedGen C1865322, MONDO:0011232, OMIM 602481.

Allele frequency attached by ClinVar (database versions not stated): 1000 Genomes Project 30x 0.95191; 1000 Genomes Project 0.95467; TOPMed 0.96169; gnomAD 0.96234 and 0.96450; gnomAD exomes 0.99612.
gnomAD v4.1: 1,582,820 of 1,594,114 alleles (99%); highest among the groups gnomAD compares: East Asian, 100%; 786,399 homozygotes.

Submissions (7):

Unidad de Genómica Garrahan, Hospital de Pediatría Garrahan
Classification: Benign. Last evaluated: 2024-07-15. Review status: criteria provided, single submitter. Criteria: ACMG Guidelines, 2015. Collection method: clinical testing. Allele origin: germline. Affected: no. Observed: 87 variant alleles.
Comment: This variant is classified as Benign based on local population frequency. This variant was detected in 94% of patients studied in a panel designed for Epileptic and Developmental Encephalopathy and Progressive Myoclonus Epilepsy. Number of patients: 87. Only high quality variants are reported.

Genome-Nilou Lab
Classification: Benign for Developmental and epileptic encephalopathy 98. Last evaluated: 2021-12-05. Review status: criteria provided, single submitter. Criteria: ACMG Guidelines, 2015. Collection method: clinical testing. Allele origin: germline. Affected: no.

Genome-Nilou Lab
Classification: Benign for Fetal akinesia, respiratory insufficiency, microcephaly, polymicrogyria, and dysmorphic facies. Last evaluated: 2021-12-05. Review status: criteria provided, single submitter. Criteria: ACMG Guidelines, 2015. Collection method: clinical testing. Allele origin: germline. Affected: no.

Genome-Nilou Lab
Classification: Benign for Migraine, familial hemiplegic, 2. Last evaluated: 2021-12-05. Review status: criteria provided, single submitter. Criteria: ACMG Guidelines, 2015. Collection method: clinical testing. Allele origin: germline. Affected: no.

Genome-Nilou Lab
Classification: Benign for Alternating hemiplegia of childhood 1. Last evaluated: 2021-07-14. Review status: criteria provided, single submitter. Criteria: ACMG Guidelines, 2015. Collection method: clinical testing. Allele origin: germline. Affected: no.

GeneDx
Classification: Benign. Last evaluated: 2018-06-14. Review status: criteria provided, single submitter. Criteria: GeneDx Variant Classification (06012015). Collection method: clinical testing. Allele origin: germline. Affected: yes.
Comment: This variant is considered likely benign or benign based on one or more of the following criteria: it is a conservative change, it occurs at a poorly conserved position in the protein, it is predicted to be benign by multiple in silico algorithms, and/or has population frequency not consistent with disease.

Breakthrough Genomics
Classification: Benign. Review status: criteria provided, single submitter. Criteria: ACMG Guidelines, 2015. Collection method: not provided. Allele origin: germline. Inheritance: Autosomal recessive inheritance. Affected: yes.

NM_000702.4(ATP1A2):c.495+65T>C

Gene: ATP1A2 (ATPase Na+/K+ transporting subunit alpha 2; plus strand). Cytogenetic location: 1q23.2.
Variant type: single nucleotide variant.
Coding change: c.495+65T>C on transcript NM_000702.4 (MANE Select); 65 bases into the intron after coding-DNA position 495, T replaced by C.
Molecular consequence: intron variant.
Genome position (GRCh38, 1-based): chr1:160,124,121, T>C. VCF-style: chr1-160124121-T-C. GRCh37 (hg19) VCF-style: chr1-160093911-T-C.
Identifiers: ClinVar variation 670740 (VCV000670740.7), dbSNP rs2820582, ClinGen allele CA15122785.
Genomic context (GRCh38, chr1:160,124,121, plus strand): 5'-GATGGCAGGGCTGGGCTCTGGGCTAGGCTGTAAGGTTTTGGCAAGAGTCCAGCTCATCTT[T>C]TGTCAGCTCCCAGGCTCTAAGATAGAGATGGACAGAAAAGATCCTCCAGCTTTCCATGCC-3'